The following is an entry in ClinVar:

NM_001287.6(CLCN7):c.1798-10C>T

Gene: CLCN7 (Cl-/H+ antiporter 7; minus strand). Cytogenetic location: 16p13.3.
Variant type: single nucleotide variant.
Coding change: c.1798-10C>T on transcript NM_001287.6 (MANE Select); 10 bases into the intron before coding-DNA position 1798, C replaced by T.
Molecular consequence: intron variant.
Genome position (GRCh38, 1-based): chr16:1,448,776, G>A on the plus strand (C>T on the coding strand, the complement: CLCN7 is on the minus strand). VCF-style: chr16-1448776-G-A. GRCh37 (hg19) VCF-style: chr16-1498777-G-A.
Other names: c.1726-10C>T (NM_001114331.3).
Identifiers: ClinVar variation 257953 (VCV000257953.19), dbSNP rs35939214, ClinGen allele CA7810052.

ClinVar aggregate classification (germline): Benign/Likely benign. Review status: criteria provided, multiple submitters, no conflicts (2 of 4 stars). 6 submissions from 6 submitters: Benign (5); Likely benign (1). Last evaluated 2026-02-02.

Conditions:
Disorder of bone. Also called: Rare bone disease related to a common gene or pathway defect; Bone disease; Bone disorder. Identifiers: Orphanet 364803, MedGen C0005940, MONDO:0005381.
Osteopetrosis. Identifiers: Orphanet 2781, MedGen C0029454, MONDO:0017198, HP:0011002.

Allele frequency attached by ClinVar (database versions not stated): 1000 Genomes Project 0.01917; 1000 Genomes Project 30x 0.02014; ExAC 0.03183; TOPMed 0.03487; gnomAD 0.03622; ESP Exome Variant Server 0.03879.
gnomAD v4.1: 73,360 of 1,609,856 alleles (4.6%); highest among the groups gnomAD compares: Non-Finnish European, 5.4%; 2,048 homozygotes.

Submissions (6):

Labcorp Genetics (formerly Invitae), Labcorp
Classification: Benign. Last evaluated: 2026-02-02. Review status: criteria provided, single submitter. Criteria: Invitae Variant Classification Sherloc (09022015). Collection method: clinical testing. Allele origin: germline.

Blueprint Genetics
Classification: Likely benign. Last evaluated: 2024-11-27. Review status: criteria provided, single submitter. Criteria: ACMG Guidelines, 2015. Collection method: clinical testing. Allele origin: germline.

Genome Diagnostics Laboratory, The Hospital for Sick Children
Classification: Benign for Disorder of bone. Last evaluated: 2023-02-06. Review status: criteria provided, single submitter. Criteria: ACMG Guidelines, 2015. Collection method: clinical testing. Allele origin: germline. Affected: yes.
Comment: This intronic variant is classified as Benign (ACMG criteria - BS1, BS2, BP6, BP4)

Illumina Laboratory Services, Illumina
Classification: Benign for Osteopetrosis. Last evaluated: 2018-01-13. Review status: criteria provided, single submitter. Criteria: ICSL Variant Classification Criteria 13 December 2019. Collection method: clinical testing. Allele origin: germline.
Comment: This variant was observed in the ICSL laboratory as part of a predisposition screen in an ostensibly healthy population. It had not been previously curated by ICSL or reported in the Human Gene Mutation Database (HGMD: prior to June 1st, 2018), and was therefore a candidate for classification through an automated scoring system. Utilizing variant allele frequency, disease prevalence and penetrance estimates, and inheritance mode, an automated score was calculated to assess if this variant is too frequent to cause the disease. Based on the score and internal cut-off values, a variant classified as benign is not then subjected to further curation. The score for this variant resulted in a classification of benign for this disease.

Breakthrough Genomics
Classification: Benign. Review status: criteria provided, single submitter. Criteria: ACMG Guidelines, 2015. Collection method: not provided. Allele origin: germline. Inheritance: Autosomal recessive inheritance. Affected: yes.

PreventionGenetics, part of Exact Sciences
Classification: Benign. Review status: criteria provided, single submitter. Criteria: ACMG Guidelines, 2015. Collection method: clinical testing. Allele origin: germline.